The following is an entry in ClinVar:

ClinVar aggregate classification (germline): Uncertain significance. Review status: criteria provided, multiple submitters, no conflicts (2 of 4 stars). 3 submissions from 3 submitters: Uncertain significance (3). Last evaluated 2024-04-03.

Conditions:
Dystonia 5 (DRD). Also called: GTP Cyclohydrolase 1-Deficient Dopa-Responsive Dystonia; Dystonia, DOPA-responsive, with or without hyperphenylalaninemia; DYT-GCH1; DYSTONIA, PROGRESSIVE, WITH DIURNAL VARIATION; DYSTONIA-PARKINSONISM WITH DIURNAL FLUCTUATION. Identifiers: Orphanet 98808, MedGen C1851920, MONDO:0007495, OMIM 128230.
GTP cyclohydrolase I deficiency. Identifiers: MedGen C0268467, MONDO:0100184.

Submissions (3):

Labcorp Genetics (formerly Invitae), Labcorp
Classification: Uncertain significance for GTP cyclohydrolase I deficiency; Dystonia 5. Last evaluated: 2024-04-03. Review status: criteria provided, single submitter. Criteria: Invitae Variant Classification Sherloc (09022015). Collection method: clinical testing. Allele origin: germline.
Comment: This sequence change replaces leucine, which is neutral and non-polar, with phenylalanine, which is neutral and non-polar, at codon 92 of the GCH1 protein (p.Leu92Phe). This variant is not present in population databases (gnomAD no frequency). This variant has not been reported in the literature in individuals affected with GCH1-related conditions. ClinVar contains an entry for this variant (Variation ID: 1028583). Advanced modeling of protein sequence and biophysical properties (such as structural, functional, and spatial information, amino acid conservation, physicochemical variation, residue mobility, and thermodynamic stability) performed at Invitae indicates that this missense variant is expected to disrupt GCH1 protein function with a positive predictive value of 80%. In summary, the available evidence is currently insufficient to determine the role of this variant in disease. Therefore, it has been classified as a Variant of Uncertain Significance.

Baylor Genetics
Classification: Uncertain significance for Dystonia 5. Last evaluated: 2019-07-31. Review status: criteria provided, single submitter. Criteria: ACMG Guidelines, 2015. Collection method: clinical testing. Allele origin: unknown. Affected: yes.
Comment: This variant was determined to be of uncertain significance according to ACMG Guidelines, 2015 [PMID:25741868].

Blueprint Genetics
Classification: Uncertain significance. Last evaluated: 2017-09-08. Review status: criteria provided, single submitter. Criteria: ACMG Guidelines, 2015. Collection method: clinical testing. Allele origin: germline.

NM_000161.3(GCH1):c.274C>T (p.Leu92Phe)

Gene: GCH1 (GTP cyclohydrolase 1; minus strand). Cytogenetic location: 14q22.2.
Variant type: single nucleotide variant.
Coding change: c.274C>T on transcript NM_000161.3 (MANE Select); coding-DNA position 274, C replaced by T.
Protein change: p.Leu92Phe; replaces leucine 92 with phenylalanine.
Molecular consequence: missense variant.
Genome position (GRCh38, 1-based): chr14:54,902,390, G>A on the plus strand (C>T on the coding strand, the complement: GCH1 is on the minus strand). VCF-style: chr14-54902390-G-A. GRCh37 (hg19) VCF-style: chr14-55369108-G-A.
Other names: c.274C>T, p.Leu92Phe (NM_001024024.2, NM_001024070.2, NM_001024071.2); short protein forms L92F.
Identifiers: ClinVar variation 1028583 (VCV001028583.4), dbSNP rs763294577, ClinGen allele CA389793710.
Genomic context (GRCh38, chr14:54,902,390, plus strand): 5'-TCTCCTGGTAGCCCTTGGTGAAGAACTGCATGGCCGAGGCCGCCCTCCAGGGCGTCTTGA[G>A]CAGCCCTTGCCGCTGGGGGTTCTCGCCCAGCGAGCTCAGGATGGACGAGTAGGCGGCTGC-3'
Protein context (NP_000152.1, residues 82-102): LGENPQRQGL[Leu92Phe]KTPWRAASAM